The following is an entry in ClinVar:

ClinVar aggregate classification (germline): Uncertain significance. Review status: criteria provided, multiple submitters, no conflicts (2 of 4 stars). 4 submissions from 4 submitters: Uncertain significance (3). 1 of the submissions does not count toward it. Last evaluated 2025-11-11.

Conditions:
Intellectual disability. Also called: Intellectual functioning disability; Intellectual developmental disorder; intellectual disabilities. Identifiers: MedGen C3714756, MeSH D008607, MONDO:0001071, HP:0001249.
Hemorrhage, intracerebral, susceptibility to (ICH). Also called: Stroke, hemorrhagic, susceptibility to. Identifiers: MedGen C3281105, MONDO:0100533, OMIM 614519.

Allele frequency attached by ClinVar (database versions not stated): ExAC 0.00003; TOPMed 0.00003; gnomAD exomes 0.00003; gnomAD 0.00004.

Submissions (4):

Women's Health and Genetics/Laboratory Corporation of America, LabCorp
Classification: Uncertain significance. Last evaluated: 2025-11-11. Review status: criteria provided, single submitter. Criteria: LabCorp Variant Classification Summary - May 2015. Collection method: clinical testing. Allele origin: germline.
Comment: Variant summary: COL4A2 c.1720G>A (p.Asp574Asn) results in a conservative amino acid change in the encoded protein sequence. Algorithms developed to predict the effect of missense changes on protein structure and function all suggest that this variant is likely to be tolerated. The variant allele was found at a frequency of 2.8e-05 in 249368 control chromosomes. The available data on variant occurrences in the general population are insufficient to allow any conclusion about variant significance. To our knowledge, no occurrence of c.1720G>A in individuals affected with COL4A2-related conditions and no experimental evidence demonstrating its impact on protein function have been reported. ClinVar contains an entry for this variant (Variation ID: 1510059). Based on the evidence outlined above, the variant was classified as uncertain significance.

Labcorp Genetics (formerly Invitae), Labcorp
Classification: Uncertain significance. Last evaluated: 2024-10-29. Review status: criteria provided, single submitter. Criteria: Invitae Variant Classification Sherloc (09022015). Collection method: clinical testing. Allele origin: germline.
Comment: This sequence change replaces aspartic acid with asparagine at codon 574 of the COL4A2 protein (p.Asp574Asn). The aspartic acid residue is highly conserved and there is a small physicochemical difference between aspartic acid and asparagine. This variant is present in population databases (rs751105211, gnomAD 0.004%). This variant has not been reported in the literature in individuals affected with COL4A2-related conditions. ClinVar contains an entry for this variant (Variation ID: 1510059). Invitae Evidence Modeling of protein sequence and biophysical properties (such as structural, functional, and spatial information, amino acid conservation, physicochemical variation, residue mobility, and thermodynamic stability) indicates that this missense variant is not expected to disrupt COL4A2 protein function with a negative predictive value of 95%. In summary, the available evidence is currently insufficient to determine the role of this variant in disease. Therefore, it has been classified as a Variant of Uncertain Significance.

Cambridge Genomics Laboratory, East Genomic Laboratory Hub, NHS Genomic Medicine Service
Classification: Uncertain significance for Intellectual disability. Last evaluated: 2019-06-28. Review status: criteria provided, single submitter. Criteria: ACGS Best Practice Guidelines for Variant Classification in Rare Disease 2020. Collection method: clinical testing. Allele origin: germline. Affected: yes. Observed: 1 variant allele.

Zotz-Klimas Genetics Lab, MVZ Zotz Klimas
Classification: Uncertain significance for Hemorrhage, intracerebral, susceptibility to. Last evaluated: 2023-10-30. Review status: no assertion criteria provided. Collection method: clinical testing. Allele origin: germline. Affected: yes. Not counted in ClinVar's aggregate classification.

NM_001846.4(COL4A2):c.1720G>A (p.Asp574Asn)

Genes: COL4A2 (collagen type IV alpha 2 chain; plus strand), COL4A2-AS2 (COL4A2 antisense RNA 2; minus strand). Cytogenetic location: 13q34.
Variant type: single nucleotide variant.
Coding change: c.1720G>A on transcript NM_001846.4 (MANE Select); coding-DNA position 1720, G replaced by A.
Protein change: p.Asp574Asn; replaces aspartic acid 574 with asparagine.
Molecular consequence: missense variant.
Genome position (GRCh38, 1-based): chr13:110,462,328, G>A. VCF-style: chr13-110462328-G-A. GRCh37 (hg19) VCF-style: chr13-111114675-G-A.
Other names: short protein forms D574N.
Identifiers: ClinVar variation 1510059 (VCV001510059.9), dbSNP rs751105211, ClinGen allele CA7049682.